The following is an entry in ClinVar:

NM_003049.4(SLC10A1):c.617_618del (p.Ser206fs)

Gene: SLC10A1 (solute carrier family 10 member 1; minus strand). Cytogenetic location: 14q24.1.
Variant type: Microsatellite.
Coding change: c.617_618del on transcript NM_003049.4 (MANE Select); coding-DNA positions 617 to 618, 2 bases deleted (CT; older notation c.617_618delCT).
Protein change: p.Ser206fs; shifts the reading frame from serine 206.
Molecular consequence: frameshift variant.
Genome position (GRCh38, 1-based): chr14:69,779,310-69,779,311, AG deleted on the plus strand (CT on the coding strand, the reverse complement: SLC10A1 is on the minus strand); deleting any 2 consecutive bases within chr14:69,779,310-69,779,316 gives the same sequence; the c. name uses the placement nearest the transcript's 3' end. VCF-style (leftmost placement, unchanged base first): chr14-69779309-CAG-C. GRCh37 (hg19) VCF-style: chr14-70246026-CAG-C.
Other names: short protein forms S206fs.
Identifiers: ClinVar variation 3357645 (VCV003357645.1).

ClinVar aggregate classification (germline): Likely pathogenic (0 of 4 stars; one submission).

Conditions:
SLC10A1-related disorder. Also called: SLC10A1-related condition.

Submission:

PreventionGenetics, part of Exact Sciences
Classification: Likely pathogenic for SLC10A1-related condition. Last evaluated: 2024-07-16. Review status: no assertion criteria provided. Collection method: clinical testing. Allele origin: germline.
Comment: The SLC10A1 c.617_618delCT variant is predicted to result in a frameshift and premature protein termination (p.Ser206Cysfs*71). To our knowledge, this variant has not been reported in the literature. This variant is reported in 0.0035% of alleles in individuals of European (Non-Finnish) descent in gnomAD. Another variant affecting the same amino acid (c.615_618delCTCT, p.Ser206Profs*12) was reported in the compound heterozygous state in an individual with SLC10A1 deficiency (Van Herpe et al. 2017. PubMed ID: 28283843). Frameshift variants in SLC10A1 are expected to be pathogenic. This variant is interpreted as likely pathogenic.